The following is an entry in ClinVar:

NM_001035.3(RYR2):c.6393T>C (p.Ser2131=)

Gene: RYR2 (ryanodine receptor 2; plus strand). Cytogenetic location: 1q43.
Variant type: single nucleotide variant.
Coding change: c.6393T>C on transcript NM_001035.3 (MANE Select); coding-DNA position 6393, T replaced by C.
Protein change: p.Ser2131=; no amino-acid change (serine 2131 retained).
Molecular consequence: synonymous variant.
Genome position (GRCh38, 1-based): chr1:237,628,033, T>C. VCF-style: chr1-237628033-T-C. GRCh37 (hg19) VCF-style: chr1-237791333-T-C.
Other names: c.6393T>C (NM_001035.2).
Identifiers: ClinVar variation 1115455 (VCV001115455.15), dbSNP rs370087757, ClinGen allele CA087099.

ClinVar aggregate classification (germline): Likely benign. Review status: criteria provided, multiple submitters, no conflicts (2 of 4 stars). 4 submissions from 4 submitters: Likely benign (4). Last evaluated 2025-06-18.

Conditions:
Cardiomyopathy (CMYO). Also called: Cardiomyopathies. Identifiers: Orphanet 167848, MedGen C0878544, MONDO:0004994, HP:0001638. Inheritance: Various modes of inheritance.
Catecholaminergic polymorphic ventricular tachycardia 1. Also called: VENTRICULAR TACHYCARDIA, CATECHOLAMINERGIC POLYMORPHIC, 1, WITH OR WITHOUT ATRIAL DYSFUNCTION AND/OR DILATED CARDIOMYOPATHY; RYR2-Related Catecholaminergic Polymorphic Ventricular Tachycardia; VENTRICULAR TACHYCARDIA, STRESS-INDUCED POLYMORPHIC 1. Identifiers: Orphanet 3286, MedGen C1631597, MONDO:0011484, OMIM 604772.
Cardiovascular phenotype. Identifiers: MedGen CN230736.
Catecholaminergic polymorphic ventricular tachycardia (CVPT). Also called: Catecholamine-induced polymorphic ventricular tachycardia. Identifiers: Orphanet 3286, MedGen C5574922, MONDO:0017990.

Allele frequency attached by ClinVar (database versions not stated): gnomAD 0.00001; gnomAD exomes 0.00002 and 0.00003; ExAC 0.00003; TOPMed 0.00003; ESP Exome Variant Server 0.00008.
gnomAD v4.1: 55 of 1,613,664 alleles (0.0034%); highest among the groups gnomAD compares: Non-Finnish European, 0.0042%; no homozygotes.

Submissions (4):

Labcorp Genetics (formerly Invitae), Labcorp
Classification: Likely benign for Catecholaminergic polymorphic ventricular tachycardia 1. Last evaluated: 2025-06-18. Review status: criteria provided, single submitter. Criteria: Invitae Variant Classification Sherloc (09022015). Collection method: clinical testing. Allele origin: germline.

All of Us Research Program, National Institutes of Health
Classification: Likely benign for Catecholaminergic polymorphic ventricular tachycardia. Last evaluated: 2023-12-13. Review status: criteria provided, single submitter. Criteria: ACMG Guidelines, 2015. Collection method: clinical testing. Allele origin: germline. Inheritance: Autosomal dominant inheritance. Observed: 4 variant alleles, 4 heterozygotes.
Comment: This study involves interpretation of variants in research participants for the purpose of population health screening. Participant phenotype was not available at the time of variant classification. Additional details can be found in publication PMID: 35346344, PMCID: PMC8962531

Color Diagnostics, LLC DBA Color Health
Classification: Likely benign for Cardiomyopathy. Last evaluated: 2020-12-22. Review status: criteria provided, single submitter. Criteria: ACMG Guidelines, 2015. Collection method: clinical testing. Allele origin: germline.

Ambry Genetics
Classification: Likely benign for Cardiovascular phenotype. Last evaluated: 2020-04-02. Review status: criteria provided, single submitter. Criteria: Ambry Variant Classification Scheme 2023. Collection method: clinical testing. Allele origin: germline.